The following is an entry in ClinVar:

ClinVar aggregate classification (germline): Uncertain significance. Review status: criteria provided, multiple submitters, no conflicts (2 of 4 stars). 2 submissions from 2 submitters: Uncertain significance (2). Last evaluated 2026-02-06.

Conditions:
Ataxia-telangiectasia syndrome (AT). Also called: Ataxia telangiectasia (A-T); Cerebello-oculocutaneous telangiectasia; Immunodeficiency with ataxia telangiectasia; Ataxia-telangiectasia, complementation group D; ATAXIA-TELANGIECTASIA, COMPLEMENTATION GROUP A; ATAXIA-TELANGIECTASIA, FRESNO VARIANT. Identifiers: Orphanet 100, MedGen C0004135, MONDO:0008840, OMIM 208900.
Hereditary cancer-predisposing syndrome. Also called: Neoplastic Syndromes, Hereditary; Hereditary neoplastic syndrome; Tumor predisposition; Hereditary Cancer Syndrome. Identifiers: Orphanet 140162, MedGen C0027672, MeSH D009386, MONDO:0015356.

Submissions (2):

Ambry Genetics
Classification: Uncertain significance for Hereditary cancer-predisposing syndrome. Last evaluated: 2026-02-06. Review status: criteria provided, single submitter. Criteria: Ambry Variant Classification Scheme 2023. Collection method: clinical testing. Allele origin: germline.
Comment: The p.S1684C variant (also known as c.5051C>G), located in coding exon 33 of the ATM gene, results from a C to G substitution at nucleotide position 5051. The serine at codon 1684 is replaced by cysteine, an amino acid with dissimilar properties. In an assay testing ATM function, this variant showed a functionally normal result (Lee KS et al. Cell, 2025 Sep;188:5081-5099.e27). This amino acid position is highly conserved in available vertebrate species. In addition, the in silico prediction for this alteration is inconclusive. Based on the available evidence, the clinical significance of this variant remains unclear.

Labcorp Genetics (formerly Invitae), Labcorp
Classification: Uncertain significance for Ataxia-telangiectasia syndrome. Last evaluated: 2024-05-06. Review status: criteria provided, single submitter. Criteria: Invitae Variant Classification Sherloc (09022015). Collection method: clinical testing. Allele origin: germline.
Comment: This sequence change replaces serine, which is neutral and polar, with cysteine, which is neutral and slightly polar, at codon 1684 of the ATM protein (p.Ser1684Cys). This variant is not present in population databases (gnomAD no frequency). This variant has not been reported in the literature in individuals affected with ATM-related conditions. ClinVar contains an entry for this variant (Variation ID: 583043). An algorithm developed to predict the effect of missense changes on protein structure and function (PolyPhen-2) suggests that this variant is likely to be disruptive. In summary, the available evidence is currently insufficient to determine the role of this variant in disease. Therefore, it has been classified as a Variant of Uncertain Significance.

Literature cited by the submitters: PubMed 40580951 (cited by Ambry Genetics).

NM_000051.4(ATM):c.5051C>G (p.Ser1684Cys)

Gene: ATM (ATM serine/threonine kinase; plus strand). Cytogenetic location: 11q22.3.
Variant type: single nucleotide variant.
Coding change: c.5051C>G on transcript NM_000051.4 (MANE Select); coding-DNA position 5051, C replaced by G.
Protein change: p.Ser1684Cys; replaces serine 1684 with cysteine.
Molecular consequence: missense variant.
Genome position (GRCh38, 1-based): chr11:108,299,759, C>G. VCF-style: chr11-108299759-C-G. GRCh37 (hg19) VCF-style: chr11-108170486-C-G.
Other names: c.5051C>G, p.Ser1684Cys (NM_001351834.2); short protein forms S1684C.
Identifiers: ClinVar variation 583043 (VCV000583043.11), dbSNP rs1565473651, ClinGen allele CA382540460.